The following is an entry in ClinVar:

ClinVar aggregate classification (germline): Uncertain significance (1 of 4 stars; one submission).

Allele frequency attached by ClinVar (database versions not stated): gnomAD exomes below 0.00001.
gnomAD v4.1: 1 of 1,610,130 alleles (0.000062%); highest among the groups gnomAD compares: Non-Finnish European, 0.000085%; no homozygotes.

Submission:

GeneDx
Classification: Uncertain significance. Last evaluated: 2022-03-16. Review status: criteria provided, single submitter. Criteria: GeneDx Variant Classification Process June 2021. Collection method: clinical testing. Allele origin: germline. Affected: yes.
Comment: Not observed at significant frequency in large population cohorts (gnomAD); In silico analysis supports that this missense variant does not alter protein structure/function; Has not been previously published as pathogenic or benign to our knowledge

NM_004423.4(DVL3):c.1922C>T (p.Ala641Val)

Gene: DVL3 (dishevelled segment polarity protein 3; plus strand). Cytogenetic location: 3q27.1.
Variant type: single nucleotide variant.
Coding change: c.1922C>T on transcript NM_004423.4 (MANE Select); coding-DNA position 1922, C replaced by T.
Protein change: p.Ala641Val; replaces alanine 641 with valine.
Molecular consequence: missense variant.
Genome position (GRCh38, 1-based): chr3:184,170,526, C>T. VCF-style: chr3-184170526-C-T. GRCh37 (hg19) VCF-style: chr3-183888314-C-T.
Other names: short protein forms A641V.
Identifiers: ClinVar variation 1706139 (VCV001706139.2), dbSNP rs2109024036, ClinGen allele CA355416274.